The following is an entry in ClinVar:

NM_002473.6(MYH9):c.*732C>T

Gene: MYH9 (myosin heavy chain 9; minus strand). Cytogenetic location: 22q12.3.
Variant type: single nucleotide variant.
Coding change: c.*732C>T on transcript NM_002473.6 (MANE Select); 732 bases downstream of the stop codon, C replaced by T.
Molecular consequence: 3 prime UTR variant.
Genome position (GRCh38, 1-based): chr22:36,281,936, G>A on the plus strand (C>T on the coding strand, the complement: MYH9 is on the minus strand). VCF-style: chr22-36281936-G-A. GRCh37 (hg19) VCF-style: chr22-36677982-G-A.
Identifiers: ClinVar variation 341471 (VCV000341471.9), dbSNP rs12107, ClinGen allele CA10651245.

ClinVar aggregate classification (germline): Benign. Review status: criteria provided, multiple submitters, no conflicts (2 of 4 stars). 4 submissions from 3 submitters: Benign (4). Last evaluated 2020-10-29.

Conditions:
Autosomal dominant nonsyndromic hearing loss 17. Also called: Autosomal dominant nonsyndromic deafness 17; Deafness, autosomal dominant 17. Identifiers: Orphanet 90635, MedGen C1863659, MONDO:0011350, OMIM 603622.
MYH9-related disorder. Identifiers: MedGen C1854520.

Allele frequency attached by ClinVar (database versions not stated): TOPMed 0.16794; gnomAD 0.16843; gnomAD exomes 0.21636; 1000 Genomes Project 30x 0.28529; 1000 Genomes Project 0.29513.
gnomAD v4.1: 42,166 of 231,954 alleles (18%); highest among the groups gnomAD compares: East Asian, 66%; 6,244 homozygotes.

Submissions (4):

GeneDx
Classification: Benign. Last evaluated: 2020-10-29. Review status: criteria provided, single submitter. Criteria: GeneDx Variant Classification Process June 2021. Collection method: clinical testing. Allele origin: germline. Affected: yes.
Comment: This variant is associated with the following publications: (PMID: 29207917)

Illumina Laboratory Services, Illumina
Classification: Benign for MYH9-related disorder. Last evaluated: 2018-01-13. Review status: criteria provided, single submitter. Criteria: ICSL Variant Classification Criteria 13 December 2019. Collection method: clinical testing. Allele origin: germline.
Comment: This variant was observed in the ICSL laboratory as part of a predisposition screen in an ostensibly healthy population. It had not been previously curated by ICSL or reported in the Human Gene Mutation Database (HGMD: prior to June 1st, 2018), and was therefore a candidate for classification through an automated scoring system. Utilizing variant allele frequency, disease prevalence and penetrance estimates, and inheritance mode, an automated score was calculated to assess if this variant is too frequent to cause the disease. Based on the score and internal cut-off values, a variant classified as benign is not then subjected to further curation. The score for this variant resulted in a classification of benign for this disease.

Illumina Laboratory Services, Illumina
Classification: Benign for Autosomal dominant nonsyndromic hearing loss 17. Last evaluated: 2018-01-13. Review status: criteria provided, single submitter. Criteria: ICSL Variant Classification Criteria 13 December 2019. Collection method: clinical testing. Allele origin: germline.
Comment: the same text as in the submission from Illumina Laboratory Services, Illumina above.

Breakthrough Genomics
Classification: Benign. Review status: criteria provided, single submitter. Criteria: ACMG Guidelines, 2015. Collection method: not provided. Allele origin: germline. Inheritance: Autosomal dominant inheritance. Affected: yes.